The following is an entry in ClinVar:

ClinVar aggregate classification (germline): Conflicting classifications of pathogenicity. Review status: criteria provided, conflicting classifications (1 of 4 stars). 2 submissions from 2 submitters: Uncertain significance (1); Likely benign (1). Last evaluated 2026-05-27.

Conditions:
Hereditary cancer-predisposing syndrome. Also called: Tumor predisposition; Hereditary neoplastic syndrome; Neoplastic Syndromes, Hereditary; Hereditary Cancer Syndrome. Identifiers: Orphanet 140162, MedGen C0027672, MeSH D009386, MONDO:0015356.

Submissions (2):

Ambry Genetics
Classification: Uncertain significance for Hereditary cancer-predisposing syndrome. Last evaluated: 2026-05-27. Review status: criteria provided, single submitter. Criteria: Ambry Variant Classification Scheme 2023. Collection method: clinical testing. Allele origin: germline.
Comment: The c.5709G>A variant (also known as p.L1903L), located in coding exon 42 of the POLE gene, results from a G to A substitution at nucleotide position 5709. This nucleotide substitution does not change the leucine at codon 1903. This nucleotide position is well conserved in available vertebrate species. In silico splice site analysis for this alteration is inconclusive. Based on the available evidence, the clinical significance of this variant remains unclear.

Labcorp Genetics (formerly Invitae), Labcorp
Classification: Likely benign. Last evaluated: 2023-07-25. Review status: criteria provided, single submitter. Criteria: Invitae Variant Classification Sherloc (09022015). Collection method: clinical testing. Allele origin: germline.

NM_006231.4(POLE):c.5709G>A (p.Leu1903=)

Gene: POLE (DNA polymerase epsilon, catalytic subunit; minus strand). Cytogenetic location: 12q24.33.
Variant type: single nucleotide variant.
Coding change: c.5709G>A on transcript NM_006231.4 (MANE Select); coding-DNA position 5709, G replaced by A.
Protein change: p.Leu1903=; no amino-acid change (leucine 1903 retained).
Molecular consequence: synonymous variant.
Genome position (GRCh38, 1-based): chr12:132,635,994, C>T on the plus strand (G>A on the coding strand, the complement: POLE is on the minus strand). VCF-style: chr12-132635994-C-T. GRCh37 (hg19) VCF-style: chr12-133212580-C-T.
Other names: c.5709G>A (NM_006231.2).
Identifiers: ClinVar variation 2744111 (VCV002744111.4), dbSNP rs2138486780, ClinGen allele CA482726128.